The following is an entry in ClinVar:

ClinVar aggregate classification (germline): Uncertain significance (1 of 4 stars; one submission).

Conditions:
Nephrolithiasis/nephrocalcinosis. Identifiers: MedGen CN580796.

Submission:

Ambry Genetics
Classification: Uncertain significance for Nephrolithiasis/nephrocalcinosis. Last evaluated: 2023-07-07. Review status: criteria provided, single submitter. Criteria: Ambry Variant Classification Scheme 2023. Collection method: clinical testing. Allele origin: germline.
Comment: The p.Y652H variant (also known as c.1954T>C), located in coding exon 6 of the CASR gene, results from a T to C substitution at nucleotide position 1954. The tyrosine at codon 652 is replaced by histidine, an amino acid with similar properties. This amino acid position is conserved. In addition, this alteration is predicted to be deleterious by in silico analysis. Since supporting evidence is limited at this time, the clinical significance of this alteration remains unclear.

NM_000388.4(CASR):c.1954T>C (p.Tyr652His)

Gene: CASR (calcium sensing receptor; plus strand). Cytogenetic location: 3q21.1.
Variant type: single nucleotide variant.
Coding change: c.1954T>C on transcript NM_000388.4 (MANE Select); coding-DNA position 1954, T replaced by C.
Protein change: p.Tyr652His; replaces tyrosine 652 with histidine.
Molecular consequence: missense variant.
Genome position (GRCh38, 1-based): chr3:122,283,908, T>C. VCF-style: chr3-122283908-T-C. GRCh37 (hg19) VCF-style: chr3-122002755-T-C.
Other names: c.1984T>C, p.Tyr662His (NM_001178065.2); short protein forms Y652H, Y662H.
Identifiers: ClinVar variation 3231522 (VCV003231522.1), dbSNP rs2473277114, ClinGen allele CA354158130.